The following is an entry in ClinVar:

ClinVar aggregate classification (germline): Benign (0 of 4 stars; one submission).

Conditions:
TNK1-related disorder. Also called: TNK1-related condition.

Allele frequency attached by ClinVar (database versions not stated): TOPMed 0.38231; 1000 Genomes Project 30x 0.38304; 1000 Genomes Project 0.38458; gnomAD 0.39955; ESP Exome Variant Server 0.41178; ExAC 0.42428.

Submission:

PreventionGenetics, part of Exact Sciences
Classification: Benign for TNK1-related condition. Last evaluated: 2019-10-18. Review status: no assertion criteria provided. Collection method: clinical testing. Allele origin: germline.
Comment: This variant is classified as benign based on ACMG/AMP sequence variant interpretation guidelines (Richards et al. 2015 PMID: 25741868, with internal and published modifications).

NM_003985.6(TNK1):c.81T>A (p.Leu27=)

Gene: TNK1 (tyrosine kinase non receptor 1; plus strand). Cytogenetic location: 17p13.1.
Variant type: single nucleotide variant.
Coding change: c.81T>A on transcript NM_003985.6 (MANE Select); coding-DNA position 81, T replaced by A.
Protein change: p.Leu27=; no amino-acid change (leucine 27 retained).
Molecular consequence: synonymous variant.
Genome position (GRCh38, 1-based): chr17:7,383,007, T>A. VCF-style: chr17-7383007-T-A. GRCh37 (hg19) VCF-style: chr17-7286326-T-A.
Other names: c.81T>A, p.Leu27= (NM_001251902.3).
Identifiers: ClinVar variation 3059508 (VCV003059508.2), dbSNP rs1554948, ClinGen allele CA8344830.